The following is an entry in ClinVar:

NM_000198.4(HSD3B2):c.867del (p.Met290fs)

Gene: HSD3B2 (hydroxy-delta-5-steroid dehydrogenase, 3 beta- and steroid delta-isomerase 2; plus strand). Cytogenetic location: 1p12.
Variant type: Deletion.
Coding change: c.867del on transcript NM_000198.4 (MANE Select); coding-DNA position 867, one base deleted (G; older notation c.867delG).
Protein change: p.Met290fs; shifts the reading frame from methionine 290.
Molecular consequence: frameshift variant.
Genome position (GRCh38, 1-based): chr1:119,422,368, G deleted. VCF-style (leftmost placement, unchanged base first): chr1-119422367-TG-T. GRCh37 (hg19) VCF-style: chr1-119964990-TG-T.
Other names: c.867del, p.Met290fs (NM_001166120.2); c.867delG (NM_000198.3); short protein forms M290fs.
Identifiers: ClinVar variation 12193 (VCV000012193.10), dbSNP rs767167623, ClinGen allele CA1036055.
Genomic context (GRCh38, chr1:119,422,367, plus strand): 5'-ACATCCTGAGCAAAGAGTTTGGCCTCCGCCTTGATTCCAGATGGAGCCTTCCTTTAACCC[TG>T]ATGTACTGGATTGGCTTCCTGCTGGAAGTAGTGAGCTTCCTACTCAGCCCAATTTACTCC-3'

ClinVar aggregate classification (germline): Pathogenic. Review status: criteria provided, multiple submitters, no conflicts (2 of 4 stars). 4 submissions from 4 submitters: Pathogenic (3). 1 of the submissions does not count toward it. Last evaluated 2026-01-25.

Conditions:
HSD3B2-related disorder. Also called: HSD3B2-related condition.
3 beta-Hydroxysteroid dehydrogenase deficiency. Also called: 3-BETA-HSD DEFICIENCY; ADRENAL HYPERPLASIA II; 3b-hydroxysteroid dehydrogenase deficiency; ADRENAL HYPERPLASIA, CONGENITAL, DUE TO 3-BETA-HYDROXYSTEROID DEHYDROGENASE 2 DEFICIENCY; Congenital adrenal hyperplasia due to 3-beta-hydroxysteroid dehydrogenase deficiency. Identifiers: Orphanet 90791, MedGen C0342471, MeSH C538236, MONDO:0008727, OMIM 201810. Disease mechanism: loss of function.

Allele frequency attached by ClinVar (database versions not stated): gnomAD exomes 0.00001; TOPMed 0.00001; ExAC 0.00002; gnomAD 0.00002 and 0.00003.

Submissions (4):

PreventionGenetics, part of Exact Sciences
Classification: Pathogenic for HSD3B2-related condition. Last evaluated: 2026-01-25. Review status: criteria provided, single submitter. Criteria: ACMG Guidelines, 2015. Collection method: clinical testing. Allele origin: germline.
Comment: The HSD3B2 c.867delG variant is predicted to result in a frameshift and premature protein termination (p.Met290Cysfs*10). This variant has been reported along with a second HSD3B2 variant in two related individuals with the salt-wasting form of 3b-hydroxysteroid dehydrogenase deficiency (Moisan et al. 1999. PubMed ID: 10599696). This variant is reported in 0.018% of alleles in individuals of African descent in gnomAD. Frameshift variants in HSD3B2 are expected to be pathogenic. This variant is interpreted as pathogenic.

Fulgent Genetics
Classification: Pathogenic for 3 beta-Hydroxysteroid dehydrogenase deficiency. Last evaluated: 2022-05-05. Review status: criteria provided, single submitter. Criteria: ACMG Guidelines, 2015. Collection method: clinical testing. Allele origin: unknown.

Labcorp Genetics (formerly Invitae), Labcorp
Classification: Pathogenic. Last evaluated: 2020-11-02. Review status: criteria provided, single submitter. Criteria: Invitae Variant Classification Sherloc (09022015). Collection method: clinical testing. Allele origin: germline.
Comment: This sequence change creates a premature translational stop signal (p.Met290Cysfs*10) in the HSD3B2 gene. While this is not anticipated to result in nonsense mediated decay, it is expected to disrupt the last 83 amino acid(s) of the HSD3B2 protein. This variant is present in population databases (rs767167623, ExAC 0.02%). This variant has been observed in individual(s) with 3-beta-hydroxysteroid dehydrogenase deficiency (PMID: 10599696). ClinVar contains an entry for this variant (Variation ID: 12193). This variant disrupts the C-terminus of the HSD3B2 protein. Other variant(s) that disrupt this region (p.Arg335*) have been determined to be pathogenic (PMID: 18252794, 31006099). This suggests that variants that disrupt this region of the protein are likely to be causative of disease. For these reasons, this variant has been classified as Pathogenic.

OMIM
Classification: Pathogenic for ADRENAL HYPERPLASIA, CONGENITAL, DUE TO 3-BETA-HYDROXYSTEROID DEHYDROGENASE 2 DEFICIENCY. Last evaluated: 1999-12-01. Review status: no assertion criteria provided. Collection method: literature only. Allele origin: germline. Not counted in ClinVar's aggregate classification.

Literature cited by the submitters: PubMed 10599696 (cited by Labcorp Genetics (formerly Invitae), Labcorp and OMIM); PubMed 18252794 (cited by Labcorp Genetics (formerly Invitae), Labcorp); PubMed 31006099 (cited by Labcorp Genetics (formerly Invitae), Labcorp).